The following is an entry in ClinVar:

NM_000059.4(BRCA2):c.6016_6019del (p.Ser2006fs)

Gene: BRCA2 (BRCA2 DNA repair associated; plus strand). Cytogenetic location: 13q13.1.
Variant type: Deletion.
Coding change: c.6016_6019del on transcript NM_000059.4 (MANE Select); coding-DNA positions 6016 to 6019, 4 bases deleted (AGTA; older notation c.6016_6019delAGTA).
Protein change: p.Ser2006fs; shifts the reading frame from serine 2006.
Molecular consequence: frameshift variant.
Genome position (GRCh38, 1-based): chr13:32,340,371-32,340,374, AGTA deleted. VCF-style (leftmost placement, unchanged base first): chr13-32340370-TAGTA-T. GRCh37 (hg19) VCF-style: chr13-32914507-TAGTA-T.
Other names: 6242delATAG; short protein forms S2006fs.
Identifiers: ClinVar variation 266915 (VCV000266915.5), dbSNP rs886040628, ClinGen allele CA10589346.

ClinVar aggregate classification (germline): Pathogenic. Review status: reviewed by expert panel (3 of 4 stars). 2 submissions from 2 submitters: Pathogenic (1). 1 of the submissions does not count toward it. Last evaluated 2016-10-18.

Conditions:
Breast-ovarian cancer, familial, susceptibility to, 2 (BROVCA2). Also called: BRCA2 Hereditary Breast and Ovarian Cancer. Identifiers: Orphanet 145, MedGen C2675520, MONDO:0012933, OMIM 612555. Disease mechanism: loss of function.

Submissions (2):

Evidence-based Network for the Interpretation of Germline Mutant Alleles (ENIGMA)
Classification: Pathogenic for Breast-ovarian cancer, familial, susceptibility to, 2. Last evaluated: 2016-10-18. Review status: reviewed by expert panel. Criteria: ENIGMA BRCA1/2 Classification Criteria (2015). Collection method: curation. Allele origin: germline.
Comment: Variant allele predicted to encode a truncated non-functional protein.

Consortium of Investigators of Modifiers of BRCA1/2 (CIMBA), c/o University of Cambridge
Classification: Pathogenic for Breast-ovarian cancer, familial, susceptibility to, 2. Last evaluated: 2015-10-02. Review status: criteria provided, single submitter. Criteria: CIMBA Mutation Classification guidelines May 2016. Collection method: clinical testing. Allele origin: germline. Not counted in ClinVar's aggregate classification.